The following is an entry in ClinVar:

NM_003482.4(KMT2D):c.13556C>T (p.Thr4519Ile)

Gene: KMT2D (lysine methyltransferase 2D; minus strand). Cytogenetic location: 12q13.12.
Variant type: single nucleotide variant.
Coding change: c.13556C>T on transcript NM_003482.4 (MANE Select); coding-DNA position 13556, C replaced by T.
Protein change: p.Thr4519Ile; replaces threonine 4519 with isoleucine.
Molecular consequence: missense variant.
Genome position (GRCh38, 1-based): chr12:49,031,008, G>A on the plus strand (C>T on the coding strand, the complement: KMT2D is on the minus strand). VCF-style: chr12-49031008-G-A. GRCh37 (hg19) VCF-style: chr12-49424791-G-A.
Other names: short protein forms T4519I.
Identifiers: ClinVar variation 3635098 (VCV003635098.2).

ClinVar aggregate classification (germline): Uncertain significance (1 of 4 stars; one submission).

Conditions:
Kabuki syndrome. Also called: NIIKAWA-KUROKI SYNDROME; Kabuki make-up syndrome. Identifiers: Orphanet 2322, MedGen C0796004, MONDO:0016512.

Submission:

Labcorp Genetics (formerly Invitae), Labcorp
Classification: Uncertain significance for Kabuki syndrome. Last evaluated: 2024-06-03. Review status: criteria provided, single submitter. Criteria: Invitae Variant Classification Sherloc (09022015). Collection method: clinical testing. Allele origin: germline.
Comment: This sequence change replaces threonine, which is neutral and polar, with isoleucine, which is neutral and non-polar, at codon 4519 of the KMT2D protein (p.Thr4519Ile). This variant is not present in population databases (gnomAD no frequency). This variant has not been reported in the literature in individuals affected with KMT2D-related conditions. Advanced modeling of protein sequence and biophysical properties (such as structural, functional, and spatial information, amino acid conservation, physicochemical variation, residue mobility, and thermodynamic stability) performed at Invitae indicates that this missense variant is not expected to disrupt KMT2D protein function with a negative predictive value of 95%. In summary, the available evidence is currently insufficient to determine the role of this variant in disease. Therefore, it has been classified as a Variant of Uncertain Significance.